The following is an entry in ClinVar:

NM_000179.3(MSH6):c.820A>T (p.Ser274Cys)

Gene: MSH6 (mutS homolog 6; plus strand). Cytogenetic location: 2p16.3.
Variant type: single nucleotide variant.
Coding change: c.820A>T on transcript NM_000179.3 (MANE Select); coding-DNA position 820, A replaced by T.
Protein change: p.Ser274Cys; replaces serine 274 with cysteine.
Molecular consequence: missense variant. On other transcripts: 5 prime UTR variant (9), non-coding transcript variant (4), intron variant (1).
Genome position (GRCh38, 1-based): chr2:47,798,803, A>T. VCF-style: chr2-47798803-A-T. GRCh37 (hg19) VCF-style: chr2-48025942-A-T.
Other names: c.523A>T, p.Ser175Cys (NM_001406822.1, NM_001406824.1, NM_001406825.1 and 10 more transcripts); c.-87A>T (NM_001406823.1, NM_001406829.1, NM_001281493.2 and 6 more transcripts); c.652A>T, p.Ser218Cys (NM_001406826.1); c.628-1863A>T (NM_001407362.1); c.430A>T, p.Ser144Cys (NM_001281492.2); c.916A>T, p.Ser306Cys (NM_001406795.1, NM_001406802.1); c.820A>T, p.Ser274Cys (NM_001406796.1, NM_001406798.1, NM_001406800.1 and 4 more transcripts); c.295A>T, p.Ser99Cys (NM_001406799.1, NM_001406806.1, NM_001406807.1); and 2 more; short protein forms S218C, S248C, S276C, S175C, S274C, S306C, S144C, S99C.
Identifiers: ClinVar variation 5024863 (VCV005024863.1).
Genomic context (GRCh38, chr2:47,798,803, plus strand): 5'-TCTGAGAGTGACATTGGTGGCTCTGATGTGGAATTTAAGCCAGACACTAAGGAGGAAGGA[A>T]GCAGTGATGAAATAAGCAGTGGAGTGGGGGATAGTGAGAGTGAAGGCCTGAACAGCCCTG-3'
Protein context (NP_000170.1, residues 264-284): EFKPDTKEEG[Ser274Cys]SDEISSGVGD

ClinVar aggregate classification (germline): Uncertain significance (1 of 4 stars; one submission).

Conditions:
Hereditary cancer-predisposing syndrome. Also called: Neoplastic Syndromes, Hereditary; Tumor predisposition; Hereditary neoplastic syndrome; Hereditary Cancer Syndrome. Identifiers: Orphanet 140162, MedGen C0027672, MeSH D009386, MONDO:0015356.

Submission:

Ambry Genetics
Classification: Uncertain significance for Hereditary cancer-predisposing syndrome. Last evaluated: 2026-06-16. Review status: criteria provided, single submitter. Criteria: Ambry Variant Classification Scheme 2023. Collection method: clinical testing. Allele origin: germline.
Comment: The p.S274C variant (also known as c.820A>T), located in coding exon 4 of the MSH6 gene, results from an A to T substitution at nucleotide position 820. The serine at codon 274 is replaced by cysteine, an amino acid with dissimilar properties. This amino acid position is conserved. In addition, the in silico prediction for this alteration is inconclusive. Based on the available evidence, the clinical significance of this variant remains unclear.